The following is an entry in ClinVar:

NM_001127644.2(GABRA1):c.53T>C (p.Leu18Pro)

Gene: GABRA1 (gamma-aminobutyric acid type A receptor subunit alpha1; plus strand). Cytogenetic location: 5q34.
Variant type: single nucleotide variant.
Coding change: c.53T>C on transcript NM_001127644.2 (MANE Select); coding-DNA position 53, T replaced by C.
Protein change: p.Leu18Pro; replaces leucine 18 with proline.
Molecular consequence: missense variant.
Genome position (GRCh38, 1-based): chr5:161,850,863, T>C. VCF-style: chr5-161850863-T-C. GRCh37 (hg19) VCF-style: chr5-161277869-T-C.
Other names: c.53T>C, p.Leu18Pro (NM_001127645.2, NM_001127648.2, NM_000806.5 and 1 more transcripts); short protein forms L18P.
Identifiers: ClinVar variation 1304343 (VCV001304343.4), dbSNP rs779065852, ClinGen allele CA131082095.
Genomic context (GRCh38, chr5:161,850,863, plus strand): 5'-AGCCCGCGATGAGGAAAAGTCCAGGTCTGTCTGACTGTCTTTGGGCCTGGATCCTCCTTC[T>C]GAGCACACTGACTGGAAGAAGGTGGGGACACTTTTTTAAAAATCTGCATGAAAATTTCTG-3'
Protein context (NP_001121116.1, residues 8-28): SDCLWAWILL[Leu18Pro]STLTGRSYGQ

ClinVar aggregate classification (germline): Uncertain significance. Review status: criteria provided, multiple submitters, no conflicts (2 of 4 stars). 2 submissions from 2 submitters: Uncertain significance (2). Last evaluated 2024-10-21.

Conditions:
Idiopathic generalized epilepsy. Also called: Generalised epilepsy; EIG. Identifiers: MedGen C0270850, MONDO:0005579, OMIM 600669.
Epilepsy, idiopathic generalized, susceptibility to, 13. Also called: EPILEPSY, JUVENILE MYOCLONIC, SUSCEPTIBILITY TO, 5. Identifiers: Orphanet 307, Orphanet 64280, MedGen C4013473, MONDO:0012627, OMIM 611136.
Epilepsy, childhood absence 4 (ECA4). Also called: EPILEPSY, CHILDHOOD ABSENCE, SUSCEPTIBILITY TO, 4. Identifiers: Orphanet 307, MedGen C1970160.

Allele frequency attached by ClinVar (database versions not stated): gnomAD exomes below 0.00001.
gnomAD v4.1: 1 of 1,613,966 alleles (0.000062%); highest among the groups gnomAD compares: Admixed American, 0.0017%; no homozygotes.

Submissions (2):

Labcorp Genetics (formerly Invitae), Labcorp
Classification: Uncertain significance for Epilepsy, childhood absence 4; Epilepsy, idiopathic generalized, susceptibility to, 13; Idiopathic generalized epilepsy. Last evaluated: 2024-10-21. Review status: criteria provided, single submitter. Criteria: Invitae Variant Classification Sherloc (09022015). Collection method: clinical testing. Allele origin: germline.
Comment: This sequence change replaces leucine, which is neutral and non-polar, with proline, which is neutral and non-polar, at codon 18 of the GABRA1 protein (p.Leu18Pro). This variant is present in population databases (rs779065852, gnomAD 0.003%). This variant has not been reported in the literature in individuals affected with GABRA1-related conditions. ClinVar contains an entry for this variant (Variation ID: 1304343). Invitae Evidence Modeling of protein sequence and biophysical properties (such as structural, functional, and spatial information, amino acid conservation, physicochemical variation, residue mobility, and thermodynamic stability) has been performed for this missense variant. However, the output from this modeling did not meet the statistical confidence thresholds required to predict the impact of this variant on GABRA1 protein function. In summary, the available evidence is currently insufficient to determine the role of this variant in disease. Therefore, it has been classified as a Variant of Uncertain Significance.

GeneDx
Classification: Uncertain significance. Last evaluated: 2018-11-20. Review status: criteria provided, single submitter. Criteria: GeneDx Variant Classification Process June 2021. Collection method: clinical testing. Allele origin: germline. Affected: yes.
Comment: Not observed at a significant frequency in large population cohorts (Lek et al., 2016; McVean et al., 2012; Exome Variant Server); The majority of missense variants in this gene are considered pathogenic (Stenson et al., 2014); In silico analysis, which includes protein predictors and evolutionary conservation, supports that this variant does not alter protein structure/function; Has not been previously published as pathogenic or benign to our knowledge